The following is an entry in ClinVar:

NM_003638.3(ITGA8):c.1780C>T (p.Arg594Ter)

Gene: ITGA8 (integrin subunit alpha 8; minus strand). Cytogenetic location: 10p13.
Variant type: single nucleotide variant.
Coding change: c.1780C>T on transcript NM_003638.3 (MANE Select); coding-DNA position 1780, C replaced by T.
Protein change: p.Arg594Ter; replaces arginine 594 with a stop codon.
Molecular consequence: nonsense.
Genome position (GRCh38, 1-based): chr10:15,606,407, G>A on the plus strand (C>T on the coding strand, the complement: ITGA8 is on the minus strand). VCF-style: chr10-15606407-G-A. GRCh37 (hg19) VCF-style: chr10-15648406-G-A.
Other names: c.1735C>T, p.Arg579Ter (NM_001291494.2); short protein forms R579*, R594*.
Identifiers: ClinVar variation 3356710 (VCV003356710.1).

ClinVar aggregate classification (germline): Pathogenic (0 of 4 stars; one submission).

Conditions:
ITGA8-related disorder. Also called: ITGA8-related condition.

gnomAD v4.1: 16 of 1,593,442 alleles (0.001%); highest among the groups gnomAD compares: South Asian, 0.01%; no homozygotes.

Submission:

PreventionGenetics, part of Exact Sciences
Classification: Pathogenic for ITGA8-related condition. Last evaluated: 2024-05-23. Review status: no assertion criteria provided. Collection method: clinical testing. Allele origin: germline.
Comment: The ITGA8 c.1780C>T variant is predicted to result in premature protein termination (p.Arg594*). This variant was reported in an individual with cervical agenesis in a genetic study of Müllerian anomaly (Tian et al. 2022. PubMed ID: 35022528). This variant is reported in 0.017% of alleles in individuals of South Asian descent in gnomAD. Nonsense variants in ITGA8 are expected to be pathogenic. This variant is interpreted as pathogenic.